The following is an entry in ClinVar:

NM_005198.5(CHKB):c.452G>A (p.Arg151Gln)

Genes: CHKB (choline kinase beta; minus strand), CHKB-CPT1B (CHKB-CPT1B readthrough (NMD candidate); minus strand). Cytogenetic location: 22q13.33.
Variant type: single nucleotide variant.
Coding change: c.452G>A on transcript NM_005198.5 (MANE Select); coding-DNA position 452, G replaced by A.
Protein change: p.Arg151Gln; replaces arginine 151 with glutamine.
Molecular consequence: missense variant. On other transcripts: non-coding transcript variant (1).
Genome position (GRCh38, 1-based): chr22:50,581,549, C>T on the plus strand (G>A on the coding strand, the complement: CHKB is on the minus strand). VCF-style: chr22-50581549-C-T. GRCh37 (hg19) VCF-style: chr22-51019978-C-T.
Other names: short protein forms R151Q.
Identifiers: ClinVar variation 1378849 (VCV001378849.4), dbSNP rs184839240, ClinGen allele CA10323765.

ClinVar aggregate classification (germline): Uncertain significance (1 of 4 stars; one submission).

Conditions:
Megaconial type congenital muscular dystrophy (MDCMC). Also called: MUSCULAR DYSTROPHY, CONGENITAL, WITH MITOCHONDRIAL STRUCTURAL ABNORMALITIES; CHKB-Related Muscle Diseases; CHKB-Related Muscular Dystrophy. Identifiers: Orphanet 280671, MedGen C1865233, MONDO:0011246, OMIM 602541.

Allele frequency attached by ClinVar (database versions not stated): ExAC 0.00002; gnomAD 0.00002 and 0.00003; gnomAD exomes 0.00002; TOPMed 0.00002; 1000 Genomes Project 0.00020; 1000 Genomes Project 30x 0.00031.
gnomAD v4.1: 35 of 1,613,878 alleles (0.0022%); highest among the groups gnomAD compares: South Asian, 0.0033%; no homozygotes.

Submission:

Labcorp Genetics (formerly Invitae), Labcorp
Classification: Uncertain significance for Megaconial type congenital muscular dystrophy. Last evaluated: 2022-07-18. Review status: criteria provided, single submitter. Criteria: Invitae Variant Classification Sherloc (09022015). Collection method: clinical testing. Allele origin: germline.
Comment: In summary, the available evidence is currently insufficient to determine the role of this variant in disease. Therefore, it has been classified as a Variant of Uncertain Significance. Algorithms developed to predict the effect of missense changes on protein structure and function are either unavailable or do not agree on the potential impact of this missense change (SIFT: "Tolerated"; PolyPhen-2: "Possibly Damaging"; Align-GVGD: "Class C0"). ClinVar contains an entry for this variant (Variation ID: 1378849). This variant has not been reported in the literature in individuals affected with CHKB-related conditions. This variant is present in population databases (rs184839240, gnomAD 0.005%). This sequence change replaces arginine, which is basic and polar, with glutamine, which is neutral and polar, at codon 151 of the CHKB protein (p.Arg151Gln).